The following is an entry in ClinVar:

NM_000038.6(APC):c.5937CAA[1] (p.Asn1981del)

Gene: APC (APC regulator of Wnt signaling pathway; plus strand). Cytogenetic location: 5q22.2.
Variant type: Microsatellite.
Coding change: c.5937CAA[1] on transcript NM_000038.6 (MANE Select); one copy of the 3-base unit CAA starting at c.5937; the reference has two copies in a row; one copy, 3 bases deleted; also written c.5940_5942del.
Protein change: p.Asn1981del; deletes asparagine 1981.
Molecular consequence: inframe deletion.
Genome position (GRCh38, 1-based): chr5:112,841,534-112,841,536, CAA deleted; deleting any 3 consecutive bases within chr5:112,841,529-112,841,536 gives the same sequence; the position shown is the placement nearest the transcript's 3' end. VCF-style (leftmost placement, unchanged base first): chr5-112841528-AAAC-A. GRCh37 (hg19) VCF-style: chr5-112177225-AAAC-A.
Other names: c.5940_5942del (NM_000038.6, NM_000038.5); c.5937CAA[1], p.Asn1981del (NM_001127510.3, NM_001354895.2); c.5883CAA[1], p.Asn1963del (NM_001127511.3); c.5991CAA[1], p.Asn1999del (NM_001354896.2); c.5967CAA[1], p.Asn1991del (NM_001354897.2); c.5862CAA[1], p.Asn1956del (NM_001354898.2); c.5853CAA[1], p.Asn1953del (NM_001354899.2); c.5814CAA[1], p.Asn1940del (NM_001354900.2); and 6 more; short protein forms N1963del, N1981del, N1890del, N1940del, N1999del, N1855del, N1922del, N1698del.
Identifiers: ClinVar variation 470026 (VCV000470026.22), dbSNP rs578171579, ClinGen allele CA043449.

ClinVar aggregate classification (germline): Uncertain significance. Review status: criteria provided, multiple submitters, no conflicts (2 of 4 stars). 5 submissions from 5 submitters: Uncertain significance (5). Last evaluated 2025-10-25.

Conditions:
Familial adenomatous polyposis 1 (FAP1). Also called: POLYPOSIS, ADENOMATOUS INTESTINAL; FAMILIAL ADENOMATOUS POLYPOSIS 1, ATTENUATED. Identifiers: MedGen C2713442, MONDO:0021056, OMIM 175100. Disease mechanism: loss of function.
Classic or attenuated familial adenomatous polyposis. Identifiers: MedGen CN372698, MONDO:0021057.
Hereditary cancer-predisposing syndrome. Also called: Hereditary neoplastic syndrome; Neoplastic Syndromes, Hereditary; Tumor predisposition; Hereditary Cancer Syndrome. Identifiers: Orphanet 140162, MedGen C0027672, MeSH D009386, MONDO:0015356.

Submissions (5):

Labcorp Genetics (formerly Invitae), Labcorp
Classification: Uncertain significance for Familial adenomatous polyposis 1. Last evaluated: 2025-10-25. Review status: criteria provided, single submitter. Criteria: Invitae Variant Classification Sherloc (09022015). Collection method: clinical testing. Allele origin: germline.
Comment: This variant, c.5940_5942del, results in the deletion of 1 amino acid(s) of the APC protein (p.Asn1981del), but otherwise preserves the integrity of the reading frame. This variant is present in population databases (rs578171579, gnomAD 0.007%). This variant has been observed in individual(s) with neuroblastoma (PMID: 24651015). ClinVar contains an entry for this variant (Variation ID: 470026). Experimental studies and prediction algorithms are not available or were not evaluated, and the functional significance of this variant is currently unknown. In summary, the available evidence is currently insufficient to determine the role of this variant in disease. Therefore, it has been classified as a Variant of Uncertain Significance.

Color Diagnostics, LLC DBA Color Health
Classification: Uncertain significance for Hereditary cancer-predisposing syndrome. Last evaluated: 2025-06-23. Review status: criteria provided, single submitter. Criteria: ACMG Guidelines, 2015. Collection method: clinical testing. Allele origin: germline.
Comment: This variant causes an in-frame deletion of 1 amino acid at position 1981 the APC protein. To our knowledge, functional studies have not been reported for this variant. This variant has not been reported in individuals affected with APC-related disorders in the literature. This variant has been identified in 1/31408 chromosomes in the general population by the Genome Aggregation Database (gnomAD). The available evidence is insufficient to determine the role of this variant in disease conclusively. Therefore, this variant is classified as a Variant of Uncertain Significance.

Ambry Genetics
Classification: Uncertain significance for Hereditary cancer-predisposing syndrome. Last evaluated: 2024-05-27. Review status: criteria provided, single submitter. Criteria: Ambry Variant Classification Scheme 2023. Collection method: clinical testing. Allele origin: germline.
Comment: The c.5940_5942delCAA variant (also known as p.N1981del) is located in coding exon 15 of the APC gene. This variant results from an in-frame CAA deletion at nucleotide positions 5940 to 5942. This results in the in-frame deletion of an asparagine at codon 1981. This variant was observed in an individual with early onset-breast cancer amongst a cohort of 1781 non-Ashkenazi Jewish individuals undergoing BRCA1/2 gene testing based on a personal history of breast cancer (Tung N et al. Cancer, 2015 Jan;121:25-33). This amino acid position is not well conserved in available vertebrate species. In addition, the in silico prediction for this alteration is inconclusive (Choi Y et al. PLoS ONE. 2012; 7(10):e46688). Based on the available evidence, the clinical significance of this variant remains unclear.

All of Us Research Program, National Institutes of Health
Classification: Uncertain significance for Classic or attenuated familial adenomatous polyposis. Last evaluated: 2023-12-01. Review status: criteria provided, single submitter. Criteria: ACMG Guidelines, 2015. Collection method: clinical testing. Allele origin: germline. Inheritance: Autosomal dominant inheritance. Observed: 3 variant alleles, 3 heterozygotes.
Comment: This variant causes an in-frame deletion of 1 amino acid at position 1981 the APC protein. To our knowledge, functional studies have not been reported for this variant. This variant has not been reported in individuals affected with hereditary cancer in the literature. This variant has been identified in 1/31408 chromosomes in the general population by the Genome Aggregation Database (gnomAD). The available evidence is insufficient to determine the role of this variant in disease conclusively. Therefore, this variant is classified as a Variant of Uncertain Significance.

This study involves interpretation of variants in research participants for the purpose of population health screening. Participant phenotype was not available at the time of variant classification. Additional details can be found in publication PMID: 35346344, PMCID: PMC8962531

GeneDx
Classification: Uncertain significance. Last evaluated: 2022-12-05. Review status: criteria provided, single submitter. Criteria: GeneDx Variant Classification Process June 2021. Collection method: clinical testing. Allele origin: germline. Affected: yes.
Comment: Not observed at significant frequency in large population cohorts (gnomAD); In-frame deletion of 1 amino acid in a non-repeat region; In silico analysis supports that this variant does not alter protein structure/function; Has not been previously published as a pathogenic or benign germline variant to our knowledge; This variant is associated with the following publications: (PMID: 24651015, 18199528)

Literature cited by the submitters: PubMed 24651015 (cited by Labcorp Genetics (formerly Invitae), Labcorp); PubMed 25186627 (cited by Ambry Genetics).